The following is an entry in ClinVar:

NM_003480.4(MFAP5):c.221C>T (p.Ser74Phe)

Gene: MFAP5 (microfibril associated protein 5; minus strand). Cytogenetic location: 12p13.31.
Variant type: single nucleotide variant.
Coding change: c.221C>T on transcript NM_003480.4 (MANE Select); coding-DNA position 221, C replaced by T.
Protein change: p.Ser74Phe; replaces serine 74 with phenylalanine.
Molecular consequence: missense variant. On other transcripts: non-coding transcript variant (1), intron variant (4).
Genome position (GRCh38, 1-based): chr12:8,651,688, G>A on the plus strand (C>T on the coding strand, the complement: MFAP5 is on the minus strand). VCF-style: chr12-8651688-G-A. GRCh37 (hg19) VCF-style: chr12-8804284-G-A.
Other names: c.182-1099C>T (NM_001297710.2); c.173-1099C>T (NM_001297711.2); c.217+2749C>T (NM_001297712.2); c.218-1099C>T (NM_001297709.2); short protein forms S74F.
Identifiers: ClinVar variation 5024443 (VCV005024443.1).

ClinVar aggregate classification (germline): Uncertain significance (1 of 4 stars; one submission).

Conditions:
Cardiovascular phenotype. Identifiers: MedGen CN230736.

Submission:

Ambry Genetics
Classification: Uncertain significance for Cardiovascular phenotype. Last evaluated: 2026-08-16. Review status: criteria provided, single submitter. Criteria: Ambry Variant Classification Scheme 2023. Collection method: clinical testing. Allele origin: germline.
Comment: The p.S74F variant (also known as c.221C>T), located in coding exon 6 of the MFAP5 gene, results from a C to T substitution at nucleotide position 221. The serine at codon 74 is replaced by phenylalanine, an amino acid with highly dissimilar properties. This amino acid position is conserved. In addition, this alteration is predicted to be tolerated by in silico analysis. Based on the available evidence, the clinical significance of this variant remains unclear.